The following is an entry in ClinVar:

ClinVar aggregate classification (germline): Uncertain significance. Review status: criteria provided, multiple submitters, no conflicts (2 of 4 stars). 2 submissions from 2 submitters: Uncertain significance (2). Last evaluated 2025-07-18.

Conditions:
Gastrointestinal stromal tumor. Also called: Gastrointestinal stromal tumor, somatic; Gastrointestinal stroma tumor. Identifiers: Orphanet 44890, MedGen C0238198, MeSH D046152, MONDO:0011719, OMIM 606764, HP:0100723.
Hereditary cancer-predisposing syndrome. Also called: Neoplastic Syndromes, Hereditary; Tumor predisposition; Hereditary Cancer Syndrome; Hereditary neoplastic syndrome. Identifiers: Orphanet 140162, MedGen C0027672, MeSH D009386, MONDO:0015356.

Submissions (2):

Ambry Genetics
Classification: Uncertain significance for Hereditary cancer-predisposing syndrome. Last evaluated: 2025-07-18. Review status: criteria provided, single submitter. Criteria: Ambry Variant Classification Scheme 2023. Collection method: clinical testing. Allele origin: germline.
Comment: The p.R112T variant (also known as c.335G>C), located in coding exon 2 of the KIT gene, results from a G to C substitution at nucleotide position 335. The arginine at codon 112 is replaced by threonine, an amino acid with similar properties. This amino acid position is conserved. In addition, the in silico prediction for this alteration is inconclusive. Based on the available evidence, the clinical significance of this variant remains unclear.

Labcorp Genetics (formerly Invitae), Labcorp
Classification: Uncertain significance for Gastrointestinal stromal tumor. Last evaluated: 2024-06-17. Review status: criteria provided, single submitter. Criteria: Invitae Variant Classification Sherloc (09022015). Collection method: clinical testing. Allele origin: germline.
Comment: This sequence change replaces arginine, which is basic and polar, with threonine, which is neutral and polar, at codon 112 of the KIT protein (p.Arg112Thr). This variant is not present in population databases (gnomAD no frequency). This variant has not been reported in the literature in individuals affected with KIT-related conditions. An algorithm developed to predict the effect of missense changes on protein structure and function (PolyPhen-2) suggests that this variant is likely to be tolerated. In summary, the available evidence is currently insufficient to determine the role of this variant in disease. Therefore, it has been classified as a Variant of Uncertain Significance.

NM_000222.3(KIT):c.335G>C (p.Arg112Thr)

Gene: KIT (KIT proto-oncogene, receptor tyrosine kinase; plus strand). Cytogenetic location: 4q12.
Variant type: single nucleotide variant.
Coding change: c.335G>C on transcript NM_000222.3 (MANE Select); coding-DNA position 335, G replaced by C.
Protein change: p.Arg112Thr; replaces arginine 112 with threonine.
Molecular consequence: missense variant.
Genome position (GRCh38, 1-based): chr4:54,695,779, G>C. VCF-style: chr4-54695779-G-C. GRCh37 (hg19) VCF-style: chr4-55561945-G-C.
Other names: c.335G>C, p.Arg112Thr (NM_001093772.2, NM_001385284.1, NM_001385285.1 and 4 more transcripts); short protein forms R112T.
Identifiers: ClinVar variation 2748927 (VCV002748927.4), dbSNP rs2109663174, ClinGen allele CA356897355.